The following is an entry in ClinVar:

ClinVar aggregate classification (germline): Uncertain significance (1 of 4 stars; one submission).

Conditions:
Autosomal dominant Alport syndrome (ATS3A). Also called: ALPORT SYNDROME 3A, AUTOSOMAL DOMINANT; Alport syndrome dominant type; Renal failure and sensorineural hearing loss. Identifiers: Orphanet 63, Orphanet 88918, MedGen C5882663, MONDO:0007086, OMIM 104200.

Submission:

MVZ Medizinische Genetik Mainz
Classification: Uncertain significance for Autosomal dominant Alport syndrome. Last evaluated: 2024-11-07. Review status: criteria provided, single submitter. Criteria: UK Practice Guidelines For Variant Classification V4 01 2020. Collection method: clinical testing. Allele origin: germline. Inheritance: Autosomal dominant inheritance. Affected: yes. Observed: 2 variant alleles.
Comment: ACMG Criteria: PM2_SUP,PP3,PP4

NM_000091.5(COL4A3):c.609+2_609+3insTT

Genes: COL4A3 (collagen type IV alpha 3 chain; plus strand), MFF-DT (MFF divergent transcript; minus strand). Cytogenetic location: 2q36.3.
Variant type: Insertion.
Coding change: c.609+2_609+3insTT on transcript NM_000091.5 (MANE Select); the canonical splice donor site of the intron after coding-DNA position 609 through 3 bases into the intron after coding-DNA position 609, TT inserted.
Molecular consequence: splice donor variant.
Genome position: GRCh38 VCF-style: chr2-227251203-G-GTT. GRCh37 (hg19) VCF-style: chr2-228115919-G-GTT.
Identifiers: ClinVar variation 3066146 (VCV003066146.2), dbSNP rs2469544048, ClinGen allele CA2740098045.